The following is an entry in ClinVar:

ClinVar aggregate classification (germline): Uncertain significance (1 of 4 stars; one submission).

Allele frequency attached by ClinVar (database versions not stated): ExAC 0.00002; gnomAD exomes 0.00001; gnomAD 0.00003; TOPMed 0.00002.
gnomAD v4.1: 17 of 1,614,120 alleles (0.0011%); highest among the groups gnomAD compares: Non-Finnish European, 0.0014%; no homozygotes.

Submission:

Labcorp Genetics (formerly Invitae), Labcorp
Classification: Uncertain significance. Last evaluated: 2025-11-02. Review status: criteria provided, single submitter. Criteria: Invitae Variant Classification Sherloc (09022015). Collection method: clinical testing. Allele origin: germline.
Comment: This sequence change replaces valine, which is neutral and non-polar, with glutamic acid, which is acidic and polar, at codon 56 of the SLC7A14 protein (p.Val56Glu). This variant is present in population databases (rs779042643, gnomAD 0.004%). This variant has not been reported in the literature in individuals affected with SLC7A14-related conditions. ClinVar contains an entry for this variant (Variation ID: 1972105). An algorithm developed to predict the effect of missense changes on protein structure and function (PolyPhen-2) suggests that this variant is likely to be disruptive. In summary, the available evidence is currently insufficient to determine the role of this variant in disease. Therefore, it has been classified as a Variant of Uncertain Significance.

NM_020949.3(SLC7A14):c.167T>A (p.Val56Glu)

Genes: SLC7A14 (solute carrier family 7 member 14; minus strand), SLC7A14-AS1 (SLC7A14 antisense RNA 1; plus strand). Cytogenetic location: 3q26.2.
Variant type: single nucleotide variant.
Coding change: c.167T>A on transcript NM_020949.3 (MANE Select); coding-DNA position 167, T replaced by A.
Protein change: p.Val56Glu; replaces valine 56 with glutamic acid.
Molecular consequence: missense variant.
Genome position (GRCh38, 1-based): chr3:170,526,770, A>T on the plus strand (T>A on the coding strand, the complement: SLC7A14 is on the minus strand). VCF-style: chr3-170526770-A-T. GRCh37 (hg19) VCF-style: chr3-170244559-A-T.
Other names: short protein forms V56E.
Identifiers: ClinVar variation 1972105 (VCV001972105.5), dbSNP rs779042643, ClinGen allele CA2702000.